The following is an entry in ClinVar:

ClinVar aggregate classification (germline): Uncertain significance (1 of 4 stars; one submission).

Conditions:
Autosomal recessive limb-girdle muscular dystrophy type 2F (LGMDR6). Also called: Muscular dystrophy limb-girdle with delta-sarcoglyan deficiency; MUSCULAR DYSTROPHY, LIMB-GIRDLE, AUTOSOMAL RECESSIVE 6. Identifiers: Orphanet 219, MedGen C1832525, MONDO:0011028, OMIM 601287. Disease mechanism: Affects gamma-sarcoglycan and also disrupts the integrity of the entire sarcoglycan complex..

Submission:

Labcorp Genetics (formerly Invitae), Labcorp
Classification: Uncertain significance for Autosomal recessive limb-girdle muscular dystrophy type 2F. Last evaluated: 2022-05-12. Review status: criteria provided, single submitter. Criteria: Invitae Variant Classification Sherloc (09022015). Collection method: clinical testing. Allele origin: germline.
Comment: This sequence change replaces glycine, which is neutral and non-polar, with alanine, which is neutral and non-polar, at codon 19 of the SGCD protein (p.Gly19Ala). This variant is not present in population databases (gnomAD no frequency). This variant has not been reported in the literature in individuals affected with SGCD-related conditions. Algorithms developed to predict the effect of missense changes on protein structure and function (SIFT, PolyPhen-2, Align-GVGD) all suggest that this variant is likely to be tolerated. In summary, the available evidence is currently insufficient to determine the role of this variant in disease. Therefore, it has been classified as a Variant of Uncertain Significance.

NM_000337.6(SGCD):c.56G>C (p.Gly19Ala)

Gene: SGCD (sarcoglycan delta; plus strand). Cytogenetic location: 5q33.3.
Variant type: single nucleotide variant.
Coding change: c.56G>C on transcript NM_000337.6 (MANE Select); coding-DNA position 56, G replaced by C.
Protein change: p.Gly19Ala; replaces glycine 19 with alanine.
Molecular consequence: missense variant.
Genome position (GRCh38, 1-based): chr5:156,344,541, G>C. VCF-style: chr5-156344541-G-C. GRCh37 (hg19) VCF-style: chr5-155771551-G-C.
Other names: c.53G>C, p.Gly18Ala (NM_001128209.2); c.56G>C, p.Gly19Ala (NM_172244.3); short protein forms G19A, G18A.
Identifiers: ClinVar variation 2131524 (VCV002131524.4), dbSNP rs778664534, ClinGen allele CA362007607.
Genomic context (GRCh38, chr5:156,344,541, plus strand): 5'-TATTTCAGATGCCTCAGGAGCAGTACACTCACCACCGGAGCACCATGCCTGGCTCTGTGG[G>C]GCCACAGGTATACAAGGTGGGGATTTATGGCTGGCGGAAACGATGCCTGTATTTCTTTGT-3'
Protein context (NP_000328.2, residues 9-29): HHRSTMPGSV[Gly19Ala]PQVYKVGIYG